The following is an entry in ClinVar:

ClinVar aggregate classification (germline): Pathogenic (1 of 4 stars; one submission).

Conditions:
Familial hypobetalipoproteinemia 1. Also called: Hypobetalipoproteinemia, normotriglyceridemic; Acanthocytosis with hypobetalipoproteinemia; APOB-Related Familial Hypobetalipoproteinemia. Identifiers: MedGen C4551990, MONDO:0014252, OMIM 615558.
Hypercholesterolemia, autosomal dominant, type B (FHCL2). Also called: Familial Hypercholesterolemia Type B; APOLIPOPROTEIN B-100, FAMILIAL DEFECTIVE; APOLIPOPROTEIN B-100, FAMILIAL LIGAND-DEFECTIVE; HYPERCHOLESTEROLEMIA, FAMILIAL, DUE TO LIGAND-DEFECTIVE APOLIPOPROTEIN B; Familial hypercholesterolemia 2; APOB-Related Familial Hypercholesterolemia, Autosomal Dominant. Identifiers: MedGen C1704417, MONDO:0007751, OMIM 144010.

Submission:

New York Genome Center
Classification: Pathogenic for Hypercholesterolemia, autosomal dominant, type B; Familial hypobetalipoproteinemia 1. Last evaluated: 2021-10-18. Review status: criteria provided, single submitter. Criteria: NYGC Assertion Criteria 2020. Collection method: clinical testing. Allele origin: germline. Affected: yes. Observed: 1 heterozygote.
Comment: The c.6673dup p.(Thr2225AsnfsTer4) variant identified in the APOB gene has not previously been reported in the literature or public variant repositories (ClinVar and LOVD), and is absent from population databases (gnomAD v2.1.1 and v3.1.1, TOPMed Freeze 5) suggesting it is not a common benign variant in the populations represented in those databases. The c.6673dup variant is located in exon 26 of this 29-exon gene, predicted to incorporate a premature termination codon at position 2229 of the new reading frame, and result in either haploinsufficiency via nonsense mediated decay or loss of more than 50% of the wild-type protein if translated. There are multiple downstream truncating variants reported in ClinVar or literature in affected individuals with Hypobetalipoproteinemia. Based on the available evidence this c.6673dup variant is classified here as Pathogenic.

NM_000384.3(APOB):c.6673dup (p.Thr2225fs)

Gene: APOB (apolipoprotein B; minus strand). Cytogenetic location: 2p24.1.
Variant type: Duplication.
Coding change: c.6673dup on transcript NM_000384.3 (MANE Select); coding-DNA position 6673, one base duplicated (A; older notation c.6673dupA).
Protein change: p.Thr2225fs; shifts the reading frame from threonine 2225.
Molecular consequence: frameshift variant.
Genome position (GRCh38, 1-based): chr2:21,010,195, T duplicated on the plus strand (A on the coding strand, the reverse complement: APOB is on the minus strand); the first of 5 consecutive T bases (chr2:21,010,195-21,010,199); duplicating any one gives the same sequence. VCF-style (leftmost placement, unchanged base first): chr2-21010194-G-GT. GRCh37 (hg19) VCF-style: chr2-21233066-G-GT.
Other names: short protein forms T2225fs.
Identifiers: ClinVar variation 1803866 (VCV001803866.2), dbSNP rs2465370870, ClinGen allele CA2580064995.